The following is an entry in ClinVar:

ClinVar aggregate classification (germline): Conflicting classifications of pathogenicity. Review status: criteria provided, conflicting classifications (1 of 4 stars). 2 submissions from 2 submitters: Uncertain significance (1); Likely benign (1). Last evaluated 2026-09-01.

gnomAD v4.1: 107 of 1,613,828 alleles (0.0066%); highest among the groups gnomAD compares: Non-Finnish European, 0.0053%; 2 homozygotes.

Submissions (2):

CeGaT Center for Human Genetics Tuebingen
Classification: Uncertain significance. Last evaluated: 2026-09-01. Review status: criteria provided, single submitter. Criteria: CeGaT Center For Human Genetics Tuebingen Variant Classification Criteria Version 2. Collection method: clinical testing. Allele origin: germline. Affected: yes. Observed: 2 variant alleles.
Comment: ABCC6: PM2:Supporting, BP4

Blueprint Genetics
Classification: Likely benign. Last evaluated: 2023-09-04. Review status: criteria provided, single submitter. Criteria: ACMG Guidelines, 2015. Collection method: clinical testing. Allele origin: germline.

NM_001171.6(ABCC6):c.177C>T (p.Gly59=)

Gene: ABCC6 (ATP binding cassette subfamily C member 6; minus strand). Cytogenetic location: 16p13.11.
Variant type: single nucleotide variant.
Coding change: c.177C>T on transcript NM_001171.6 (MANE Select); coding-DNA position 177, C replaced by T.
Protein change: p.Gly59=; no amino-acid change (glycine 59 retained).
Molecular consequence: synonymous variant. On other transcripts: 5 prime UTR variant (1), non-coding transcript variant (1).
Genome position (GRCh38, 1-based): chr16:16,221,691, G>A on the plus strand (C>T on the coding strand, the complement: ABCC6 is on the minus strand). VCF-style: chr16-16221691-G-A. GRCh37 (hg19) VCF-style: chr16-16315548-G-A.
Other names: c.177C>T, p.Gly59= (NM_001079528.4); c.-197C>T (NM_001351800.1).
Identifiers: ClinVar variation 3905072 (VCV003905072.11).